The following is an entry in ClinVar:

NM_001289808.2(CRYAB):c.268A>C (p.Lys90Gln)

Gene: CRYAB (crystallin alpha B; minus strand). Cytogenetic location: 11q23.1.
Variant type: single nucleotide variant.
Coding change: c.268A>C on transcript NM_001289808.2 (MANE Select); coding-DNA position 268, A replaced by C.
Protein change: p.Lys90Gln; replaces lysine 90 with glutamine.
Molecular consequence: missense variant.
Genome position (GRCh38, 1-based): chr11:111,910,383, T>G on the plus strand (A>C on the coding strand, the complement: CRYAB is on the minus strand). VCF-style: chr11-111910383-T-G. GRCh37 (hg19) VCF-style: chr11-111781107-T-G.
Other names: c.268A>C, p.Lys90Gln (NM_001289807.1, NM_001368245.1, NM_001885.3); c.67A>C, p.Lys23Gln (NM_001330379.1, NM_001368246.1); short protein forms K23Q, K90Q.
Identifiers: ClinVar variation 4747549 (VCV004747549.1).

ClinVar aggregate classification (germline): Uncertain significance (1 of 4 stars; one submission).

Conditions:
Dilated cardiomyopathy 1II (CMD1II). Identifiers: Orphanet 154, MedGen C3554649, MONDO:0014073, OMIM 615184.

gnomAD v4.1: 1 of 1,614,112 alleles (0.000062%); highest among the groups gnomAD compares: Non-Finnish European, 0.000085%; no homozygotes.

Submission:

Labcorp Genetics (formerly Invitae), Labcorp
Classification: Uncertain significance for Dilated cardiomyopathy 1II. Last evaluated: 2025-11-10. Review status: criteria provided, single submitter. Criteria: Invitae Variant Classification Sherloc (09022015). Collection method: clinical testing. Allele origin: germline.
Comment: This sequence change replaces lysine, which is basic and polar, with glutamine, which is neutral and polar, at codon 90 of the CRYAB protein (p.Lys90Gln). This variant is not present in population databases (gnomAD no frequency). This variant has not been reported in the literature in individuals affected with CRYAB-related conditions. An algorithm developed to predict the effect of missense changes on protein structure and function (PolyPhen-2) suggests that this variant is likely to be tolerated. In summary, the available evidence is currently insufficient to determine the role of this variant in disease. Therefore, it has been classified as a Variant of Uncertain Significance.